The following is an entry in ClinVar:

ClinVar aggregate classification (germline): Benign/Likely benign. Review status: criteria provided, multiple submitters, no conflicts (2 of 4 stars). 8 submissions from 8 submitters: Benign (4); Likely benign (3). 1 of the submissions does not count toward it. Last evaluated 2026-01-12.

Conditions:
Tuberous sclerosis 2 (TSC2). Identifiers: Orphanet 805, MedGen C1860707, MONDO:0013199, OMIM 613254.
Hereditary cancer-predisposing syndrome. Also called: Tumor predisposition; Hereditary Cancer Syndrome; Neoplastic Syndromes, Hereditary; Hereditary neoplastic syndrome. Identifiers: Orphanet 140162, MedGen C0027672, MeSH D009386, MONDO:0015356.
Tuberous sclerosis syndrome (TSC). Also called: Tuberous Sclerosis Complex; Tuberous sclerosis. Identifiers: Orphanet 805, MedGen C0041341, MONDO:0001734.

Allele frequency attached by ClinVar (database versions not stated): TOPMed below 0.00001; gnomAD 0.00001; ExAC 0.00002; gnomAD exomes 0.00004.
gnomAD v4.1: 35 of 1,612,464 alleles (0.0022%); highest among the groups gnomAD compares: South Asian, 0.024%; no homozygotes.

Submissions (8):

Labcorp Genetics (formerly Invitae), Labcorp
Classification: Benign for Tuberous sclerosis 2. Last evaluated: 2026-01-12. Review status: criteria provided, single submitter. Criteria: Invitae Variant Classification Sherloc (09022015). Collection method: clinical testing. Allele origin: germline.

Myriad Genetics, Inc.
Classification: Benign for Tuberous sclerosis 2. Last evaluated: 2024-06-05. Review status: criteria provided, single submitter. Criteria: Myriad Autosomal Dominant, Autosomal Recessive and X-Linked Classification Criteria (2023). Collection method: clinical testing. Allele origin: unknown.
Comment: This variant is considered benign. Homozygosity has been confirmed in one or more individuals. As homozygosity for pathogenic variants in this gene is generally assumed to result in embryonic lethality, this variant is unlikely to be pathogenic. This variant has been observed at a population frequency that is significantly greater than expected given the associated disease prevalence and penetrance.

All of Us Research Program, National Institutes of Health
Classification: Likely benign for Tuberous sclerosis syndrome. Last evaluated: 2024-02-22. Review status: criteria provided, single submitter. Criteria: ACMG Guidelines, 2015. Collection method: clinical testing. Allele origin: germline. Inheritance: Autosomal dominant inheritance. Observed: 1 variant allele, 1 heterozygote.
Comment: This study involves interpretation of variants in research participants for the purpose of population health screening. Participant phenotype was not available at the time of variant classification. Additional details can be found in publication PMID: 35346344, PMCID: PMC8962531

Color Diagnostics, LLC DBA Color Health
Classification: Benign for Tuberous sclerosis syndrome. Last evaluated: 2024-02-14. Review status: criteria provided, single submitter. Criteria: ACMG Guidelines, 2015. Collection method: clinical testing. Allele origin: germline.

KCCC/NGS Laboratory, Kuwait Cancer Control Center
Classification: Likely benign for Tuberous sclerosis 2. Last evaluated: 2023-07-07. Review status: criteria provided, single submitter. Criteria: ACMG Guidelines, 2015. Collection method: clinical testing. Allele origin: germline. Affected: yes.

Genome-Nilou Lab
Classification: Benign for Tuberous sclerosis 2. Last evaluated: 2021-11-07. Review status: criteria provided, single submitter. Criteria: ACMG Guidelines, 2015. Collection method: clinical testing. Allele origin: germline. Affected: no.

Ambry Genetics
Classification: Likely benign for Hereditary cancer-predisposing syndrome. Last evaluated: 2017-04-13. Review status: criteria provided, single submitter. Criteria: Ambry Variant Classification Scheme 2023. Collection method: clinical testing. Allele origin: germline.

Tuberous sclerosis database (TSC2)
No classification provided. Condition: TSC. Review status: no classification provided. Criteria: Tuberous Sclerosis Database Assertion Criteria 2015. Collection method: curation. Allele origin: germline. Affected: yes. Not counted in ClinVar's aggregate classification.

Literature cited by the submitters: PubMed 22903760 (cited by Ambry Genetics).

NM_000548.5(TSC2):c.704G>A (p.Ser235Asn)

Gene: TSC2 (TSC complex subunit 2; plus strand). Cytogenetic location: 16p13.3.
Variant type: single nucleotide variant.
Coding change: c.704G>A on transcript NM_000548.5 (MANE Select); coding-DNA position 704, G replaced by A.
Protein change: p.Ser235Asn; replaces serine 235 with asparagine.
Molecular consequence: missense variant.
Genome position (GRCh38, 1-based): chr16:2,056,699, G>A. VCF-style: chr16-2056699-G-A. GRCh37 (hg19) VCF-style: chr16-2106700-G-A.
Other names: c.704G>A (NM_000548.4); c.704G>A, p.Ser235Asn (NM_001077183.3, NM_001114382.3, NM_001363528.2 and 3 more transcripts); c.593G>A, p.Ser198Asn (NM_001318827.2); c.557G>A, p.Ser186Asn (NM_001318829.2); c.104G>A, p.Ser35Asn (NM_001318831.2); c.737G>A, p.Ser246Asn (NM_001318832.2); short protein forms S235N, S186N, S246N, S198N, S35N.
Identifiers: ClinVar variation 64942 (VCV000064942.22), dbSNP rs397514957, ClinGen allele CA022820.